The following is an entry in ClinVar:

ClinVar aggregate classification (germline): Uncertain significance (1 of 4 stars; one submission).

gnomAD v4.1: 17 of 1,613,356 alleles (0.0011%); highest among the groups gnomAD compares: South Asian, 0.0055%; no homozygotes.

Submission:

Labcorp Genetics (formerly Invitae), Labcorp
Classification: Uncertain significance. Last evaluated: 2024-12-12. Review status: criteria provided, single submitter. Criteria: Invitae Variant Classification Sherloc (09022015). Collection method: clinical testing. Allele origin: germline.
Comment: This sequence change replaces valine, which is neutral and non-polar, with isoleucine, which is neutral and non-polar, at codon 185 of the SLC17A8 protein (p.Val185Ile). This variant is present in population databases (no rsID available, gnomAD 0.003%). This variant has not been reported in the literature in individuals affected with SLC17A8-related conditions. Invitae Evidence Modeling of protein sequence and biophysical properties (such as structural, functional, and spatial information, amino acid conservation, physicochemical variation, residue mobility, and thermodynamic stability) indicates that this missense variant is not expected to disrupt SLC17A8 protein function with a negative predictive value of 80%. In summary, the available evidence is currently insufficient to determine the role of this variant in disease. Therefore, it has been classified as a Variant of Uncertain Significance.

NM_139319.3(SLC17A8):c.553G>A (p.Val185Ile)

Gene: SLC17A8 (solute carrier family 17 member 8; plus strand). Cytogenetic location: 12q23.1.
Variant type: single nucleotide variant.
Coding change: c.553G>A on transcript NM_139319.3 (MANE Select); coding-DNA position 553, G replaced by A.
Protein change: p.Val185Ile; replaces valine 185 with isoleucine.
Molecular consequence: missense variant.
Genome position (GRCh38, 1-based): chr12:100,393,448, G>A. VCF-style: chr12-100393448-G-A. GRCh37 (hg19) VCF-style: chr12-100787226-G-A.
Other names: c.553G>A, p.Val185Ile (NM_001145288.2); short protein forms V185I.
Identifiers: ClinVar variation 3606107 (VCV003606107.2).